The following is an entry in ClinVar:

ClinVar aggregate classification (germline): Pathogenic (1 of 4 stars; one submission).

Submission:

Labcorp Genetics (formerly Invitae), Labcorp
Classification: Pathogenic. Last evaluated: 2022-08-06. Review status: criteria provided, single submitter. Criteria: Invitae Variant Classification Sherloc (09022015). Collection method: clinical testing. Allele origin: germline.
Comment: This variant has not been reported in the literature in individuals affected with CACNA1B-related conditions. For these reasons, this variant has been classified as Pathogenic. This variant is a gross deletion of the genomic region encompassing exon(s) 20 of the CACNA1B gene. This deletion is out-of-frame, and is expected to create a premature termination codon and result in an absent or disrupted protein product. Loss-of-function variants in CACNA1B are known to be pathogenic (PMID: 30982612).

Literature cited by the submitters: PubMed 30982612.

NC_000009.11:g.(?_140919387)_(140919644_?)del

Gene: CACNA1B (calcium voltage-gated channel subunit alpha1 B; plus strand). Cytogenetic location: 9q34.3.
Variant type: Deletion.
Identifiers: ClinVar variation 2423352 (VCV002423352.4).